The following is an entry in ClinVar:

ClinVar aggregate classification (germline): Uncertain significance (0 of 4 stars; one submission).

Conditions:
NCOA1-related disorder. Also called: NCOA1-related condition.

Submission:

PreventionGenetics, part of Exact Sciences
Classification: Uncertain significance for NCOA1-related condition. Last evaluated: 2023-12-21. Review status: no assertion criteria provided. Collection method: clinical testing. Allele origin: germline.
Comment: The NCOA1 c.3620G>C variant is predicted to result in the amino acid substitution p.Arg1207Thr. To our knowledge, this variant has not been reported in the literature or in a large population database, indicating this variant is rare. At this time, the clinical significance of this variant is uncertain due to the absence of conclusive functional and genetic evidence.

NM_003743.5(NCOA1):c.3620G>C (p.Arg1207Thr)

Gene: NCOA1 (nuclear receptor coactivator 1; plus strand). Cytogenetic location: 2p23.3.
Variant type: single nucleotide variant.
Coding change: c.3620G>C on transcript NM_003743.5 (MANE Select); coding-DNA position 3620, G replaced by C.
Protein change: p.Arg1207Thr; replaces arginine 1207 with threonine.
Molecular consequence: missense variant.
Genome position (GRCh38, 1-based): chr2:24,742,100, G>C. VCF-style: chr2-24742100-G-C. GRCh37 (hg19) VCF-style: chr2-24964969-G-C.
Other names: c.3620G>C, p.Arg1207Thr (NM_001362950.1, NM_001362952.1, NM_001362954.1 and 3 more transcripts); short protein forms R1207T.
Identifiers: ClinVar variation 3348893 (VCV003348893.1).